The following is an entry in ClinVar:

ClinVar aggregate classification (germline): Benign. Review status: criteria provided, multiple submitters, no conflicts (2 of 4 stars). 2 submissions from 2 submitters: Benign (2). Last evaluated 2018-06-16.

Allele frequency attached by ClinVar (database versions not stated): gnomAD exomes 0.00152 and 0.00392; ExAC 0.00634; ESP Exome Variant Server 0.01545; gnomAD 0.01565 and 0.01671; 1000 Genomes Project 0.01757; TOPMed 0.01765; 1000 Genomes Project 30x 0.01968.
gnomAD v4.1: 4,691 of 1,603,950 alleles (0.29%); highest among the groups gnomAD compares: African/African-American, 5.4%; 116 homozygotes.

Submissions (2):

GeneDx
Classification: Benign. Last evaluated: 2018-06-16. Review status: criteria provided, single submitter. Criteria: GeneDx Variant Classification (06012015). Collection method: clinical testing. Allele origin: germline. Affected: yes.
Comment: This variant is considered likely benign or benign based on one or more of the following criteria: it is a conservative change, it occurs at a poorly conserved position in the protein, it is predicted to be benign by multiple in silico algorithms, and/or has population frequency not consistent with disease.

Breakthrough Genomics
Classification: Benign. Review status: criteria provided, single submitter. Criteria: ACMG Guidelines, 2015. Collection method: not provided. Allele origin: germline. Inheritance: Autosomal dominant inheritance. Affected: yes.

NM_001130823.3(DNMT1):c.1492+30G>A

Gene: DNMT1 (DNA methyltransferase 1; minus strand). Cytogenetic location: 19p13.2.
Variant type: single nucleotide variant.
Coding change: c.1492+30G>A on transcript NM_001130823.3 (MANE Select); 30 bases into the intron after coding-DNA position 1492, G replaced by A.
Molecular consequence: intron variant.
Genome position (GRCh38, 1-based): chr19:10,155,823, C>T on the plus strand (G>A on the coding strand, the complement: DNMT1 is on the minus strand). VCF-style: chr19-10155823-C-T. GRCh37 (hg19) VCF-style: chr19-10266499-C-T.
Other names: c.1129+30G>A (NM_001318731.2); c.1444+30G>A (NM_001379.4, NM_001318730.2).
Identifiers: ClinVar variation 674566 (VCV000674566.2), dbSNP rs28607407, ClinGen allele CA9188290.